The following is an entry in ClinVar:

NM_003982.4(SLC7A7):c.273G>A (p.Ala91=)

Gene: SLC7A7 (solute carrier family 7 member 7; minus strand). Cytogenetic location: 14q11.2.
Variant type: single nucleotide variant.
Coding change: c.273G>A on transcript NM_003982.4 (MANE Select); coding-DNA position 273, G replaced by A.
Protein change: p.Ala91=; no amino-acid change (alanine 91 retained).
Molecular consequence: synonymous variant.
Genome position (GRCh38, 1-based): chr14:22,813,126, C>T on the plus strand (G>A on the coding strand, the complement: SLC7A7 is on the minus strand). VCF-style: chr14-22813126-C-T. GRCh37 (hg19) VCF-style: chr14-23282335-C-T.
Other names: c.273G>A, p.Ala91= (NM_001126105.3, NM_001126106.4).
Identifiers: ClinVar variation 514385 (VCV000514385.13), dbSNP rs754387668, ClinGen allele CA7104736.

ClinVar aggregate classification (germline): Likely benign. Review status: criteria provided, multiple submitters, no conflicts (2 of 4 stars). 3 submissions from 3 submitters: Likely benign (3). Last evaluated 2026-01-26.

Conditions:
Lysinuric protein intolerance (LPI). Identifiers: Orphanet 470, MedGen C0268647, MONDO:0009109, OMIM 222700.

Allele frequency attached by ClinVar (database versions not stated): gnomAD exomes 0.00006 and 0.00008; gnomAD 0.00008 and 0.00009; ExAC 0.00012; TOPMed 0.00012.
gnomAD v4.1: 94 of 1,613,930 alleles (0.0058%); highest among the groups gnomAD compares: Non-Finnish European, 0.0069%; no homozygotes.

Submissions (4):

Labcorp Genetics (formerly Invitae), Labcorp
Classification: Likely benign for Lysinuric protein intolerance. Last evaluated: 2026-01-26. Review status: criteria provided, single submitter. Criteria: Invitae Variant Classification Sherloc (09022015). Collection method: clinical testing. Allele origin: germline.

Fulgent Genetics
Classification: Likely benign for Lysinuric protein intolerance. Last evaluated: 2021-07-30. Review status: criteria provided, single submitter. Criteria: ACMG Guidelines, 2015. Collection method: clinical testing. Allele origin: unknown.

GeneDx
Classification: Likely benign. Last evaluated: 2018-01-16. Review status: criteria provided, single submitter. Criteria: GeneDx Variant Classification (06012015). Collection method: clinical testing. Allele origin: germline. Affected: yes.
Comment: This variant is considered likely benign or benign based on one or more of the following criteria: it is a conservative change, it occurs at a poorly conserved position in the protein, it is predicted to be benign by multiple in silico algorithms, and/or has population frequency not consistent with disease.

Dr. Peter K. Rogan Lab, Western University
No classification provided (evidence only). Condition: Hepatocellular carcinoma. Review status: no classification provided. Collection method: in vitro. Allele origin: not applicable. Functional consequence: retained intron. Not counted in ClinVar's aggregate classification.